The following is an entry in ClinVar:

NM_206933.4(USH2A):c.11007C>T (p.Ser3669=)

Gene: USH2A (usherin; minus strand). Cytogenetic location: 1q41.
Variant type: single nucleotide variant.
Coding change: c.11007C>T on transcript NM_206933.4 (MANE Select); coding-DNA position 11007, C replaced by T.
Protein change: p.Ser3669=; no amino-acid change (serine 3669 retained).
Molecular consequence: synonymous variant.
Genome position (GRCh38, 1-based): chr1:215,766,721, G>A on the plus strand (C>T on the coding strand, the complement: USH2A is on the minus strand). VCF-style: chr1-215766721-G-A. GRCh37 (hg19) VCF-style: chr1-215940063-G-A.
Other names: c.11007C>T (NM_206933.2).
Identifiers: ClinVar variation 1012093 (VCV001012093.8), dbSNP rs752000364, ClinGen allele CA1393851.

ClinVar aggregate classification (germline): Likely benign. Review status: criteria provided, multiple submitters, no conflicts (2 of 4 stars). 4 submissions from 4 submitters: Likely benign (3). 1 of the submissions does not count toward it. Last evaluated 2026-09-15.

Conditions:
Usher syndrome type 2A. Also called: USHER SYNDROME, TYPE IIA; RETINAL DISEASE IN USHER SYNDROME TYPE IIA, MODIFIER OF. Identifiers: Orphanet 231178, Orphanet 886, MedGen C1848634, MONDO:0010169, OMIM 276901.
USH2A-related disorder. Also called: USH2A-related condition; USH2A-related disorders. Identifiers: MedGen CN239332.

Allele frequency attached by ClinVar (database versions not stated): gnomAD 0.00002 and 0.00001; gnomAD exomes 0.00002; TOPMed 0.00002; ExAC 0.00004.
gnomAD v4.1: 37 of 1,613,522 alleles (0.0023%); highest among the groups gnomAD compares: South Asian, 0.0088%; no homozygotes.

Submissions (4):

PreventionGenetics, part of Exact Sciences
Classification: Likely benign for USH2A-related condition. Last evaluated: 2026-09-15. Review status: criteria provided, single submitter. Criteria: ACMG Guidelines, 2015. Collection method: clinical testing. Allele origin: germline.
Comment: This variant is classified as likely benign based on ACMG/AMP sequence variant interpretation guidelines (Richards et al. 2015 PMID: 25741868, with internal and published modifications).

Labcorp Genetics (formerly Invitae), Labcorp
Classification: Likely benign. Last evaluated: 2025-04-21. Review status: criteria provided, single submitter. Criteria: Invitae Variant Classification Sherloc (09022015). Collection method: clinical testing. Allele origin: germline.

Blueprint Genetics
Classification: Likely benign. Last evaluated: 2023-09-27. Review status: criteria provided, single submitter. Criteria: ACMG Guidelines, 2015. Collection method: clinical testing. Allele origin: germline.

Natera, Inc.
Classification: Uncertain significance for Usher syndrome type 2A. Last evaluated: 2020-05-18. Review status: no assertion criteria provided. Collection method: clinical testing. Allele origin: germline. Not counted in ClinVar's aggregate classification.